The following is an entry in ClinVar:

ClinVar aggregate classification (germline): Uncertain significance. Review status: criteria provided, multiple submitters, no conflicts (2 of 4 stars). 4 submissions from 4 submitters: Uncertain significance (4). Last evaluated 2026-02-02.

Conditions:
Hereditary cancer-predisposing syndrome. Also called: Hereditary neoplastic syndrome; Neoplastic Syndromes, Hereditary; Tumor predisposition; Hereditary Cancer Syndrome. Identifiers: Orphanet 140162, MedGen C0027672, MeSH D009386, MONDO:0015356.
Oligodontia-cancer predisposition syndrome. Also called: TOOTH AGENESIS-COLORECTAL CANCER SYNDROME. Identifiers: Orphanet 300576, MedGen C1837750, MONDO:0012075, OMIM 608615. Disease mechanism: loss of function.

Allele frequency attached by ClinVar (database versions not stated): gnomAD exomes 0.00001; TOPMed 0.00001; gnomAD 0.00002.
gnomAD v4.1: 6 of 1,586,908 alleles (0.00038%); highest among the groups gnomAD compares: African/African-American, 0.0054%; no homozygotes.

Submissions (4):

Labcorp Genetics (formerly Invitae), Labcorp
Classification: Uncertain significance for Oligodontia-cancer predisposition syndrome. Last evaluated: 2026-02-02. Review status: criteria provided, single submitter. Criteria: Invitae Variant Classification Sherloc (09022015). Collection method: clinical testing. Allele origin: germline.
Comment: This sequence change replaces histidine, which is basic and polar, with tyrosine, which is neutral and polar, at codon 421 of the AXIN2 protein (p.His421Tyr). The frequency data for this variant in the population databases is considered unreliable, as metrics indicate poor data quality at this position in the gnomAD database. This variant has not been reported in the literature in individuals affected with AXIN2-related conditions. ClinVar contains an entry for this variant (Variation ID: 565679). Invitae Evidence Modeling of protein sequence and biophysical properties (such as structural, functional, and spatial information, amino acid conservation, physicochemical variation, residue mobility, and thermodynamic stability) indicates that this missense variant is not expected to disrupt AXIN2 protein function with a negative predictive value of 80%. In summary, the available evidence is currently insufficient to determine the role of this variant in disease. Therefore, it has been classified as a Variant of Uncertain Significance.

GeneDx
Classification: Uncertain significance. Last evaluated: 2023-10-31. Review status: criteria provided, single submitter. Criteria: GeneDx Variant Classification Process June 2021. Collection method: clinical testing. Allele origin: germline. Affected: yes.
Comment: Not observed at significant frequency in large population cohorts (gnomAD); In silico analysis supports that this missense variant does not alter protein structure/function; Has not been previously published as pathogenic or benign to our knowledge

Ambry Genetics
Classification: Uncertain significance for Hereditary cancer-predisposing syndrome. Last evaluated: 2023-06-14. Review status: criteria provided, single submitter. Criteria: Ambry Variant Classification Scheme 2023. Collection method: clinical testing. Allele origin: germline.
Comment: The p.H421Y variant (also known as c.1261C>T), located in coding exon 5 of the AXIN2 gene, results from a C to T substitution at nucleotide position 1261. The histidine at codon 421 is replaced by tyrosine, an amino acid with similar properties. This amino acid position is well conserved in available vertebrate species. In addition, the in silico prediction for this alteration is inconclusive. Since supporting evidence is limited at this time, the clinical significance of this alteration remains unclear.

Quest Diagnostics Nichols Institute San Juan Capistrano
Classification: Uncertain significance. Last evaluated: 2022-09-21. Review status: criteria provided, single submitter. Criteria: Quest Diagnostics criteria. Collection method: clinical testing. Allele origin: unknown.
Comment: To the best of our knowledge, the variant has not been reported in the published literature. The frequency of this variant in the general population, 0.000013 (3/232374 chromosomes), is uninformative in assessment of its pathogenicity. Analysis of this variant using bioinformatics tools for the prediction of the effect of amino acid changes on protein structure and function yielded conflicting predictions that this variant is benign or damaging. Based on the available information, we are unable to determine the clinical significance of this variant.

NM_004655.4(AXIN2):c.1261C>T (p.His421Tyr)

Gene: AXIN2 (axin 2; minus strand). Cytogenetic location: 17q24.1.
Variant type: single nucleotide variant.
Coding change: c.1261C>T on transcript NM_004655.4 (MANE Select); coding-DNA position 1261, C replaced by T.
Protein change: p.His421Tyr; replaces histidine 421 with tyrosine.
Molecular consequence: missense variant.
Genome position (GRCh38, 1-based): chr17:65,537,775, G>A on the plus strand (C>T on the coding strand, the complement: AXIN2 is on the minus strand). VCF-style: chr17-65537775-G-A. GRCh37 (hg19) VCF-style: chr17-63533893-G-A.
Other names: c.1261C>T (LRG_296t1); c.1261C>T, p.His421Tyr (NM_001363813.1); short protein forms H421Y.
Identifiers: ClinVar variation 565679 (VCV000565679.16), dbSNP rs1441857871, ClinGen allele CA400677857.